The following is an entry in ClinVar:

ClinVar aggregate classification (germline): Pathogenic (1 of 4 stars; one submission).

Conditions:
Hereditary cancer-predisposing syndrome. Also called: Neoplastic Syndromes, Hereditary; Tumor predisposition; Hereditary Cancer Syndrome; Hereditary neoplastic syndrome. Identifiers: Orphanet 140162, MedGen C0027672, MeSH D009386, MONDO:0015356.

Submission:

Ambry Genetics
Classification: Pathogenic for Hereditary cancer-predisposing syndrome. Last evaluated: 2026-06-11. Review status: criteria provided, single submitter. Criteria: Ambry Variant Classification Scheme 2023. Collection method: clinical testing. Allele origin: germline.
Comment: The c.149delG pathogenic mutation, located in coding exon 1 of the CDKN1B gene, results from a deletion of one nucleotide at nucleotide position 149, causing a translational frameshift with a predicted alternate stop codon (p.R50Kfs*21). This variant is considered to be rare based on population cohorts in the Genome Aggregation Database (gnomAD). This variant is expected to result in loss of function by premature protein truncation or nonsense-mediated mRNA decay. As such, this variant is interpreted as a disease-causing mutation.

NM_004064.5(CDKN1B):c.149del (p.Arg50fs)

Gene: CDKN1B (cyclin dependent kinase inhibitor 1B; plus strand). Cytogenetic location: 12p13.1.
Variant type: Deletion.
Coding change: c.149del on transcript NM_004064.5 (MANE Select); coding-DNA position 149, one base deleted (G; older notation c.149delG).
Protein change: p.Arg50fs; shifts the reading frame from arginine 50.
Molecular consequence: frameshift variant.
Genome position (GRCh38, 1-based): chr12:12,717,988, G deleted. VCF-style (leftmost placement, unchanged base first): chr12-12717987-AG-A. GRCh37 (hg19) VCF-style: chr12-12870921-AG-A.
Other names: short protein forms R50fs.
Identifiers: ClinVar variation 4868639 (VCV004868639.1).